The following is an entry in ClinVar:

NM_001127178.3(PIGG):c.779C>A (p.Pro260His)

Gene: PIGG (phosphatidylinositol glycan anchor biosynthesis class G (EMM blood group); plus strand). Cytogenetic location: 4p16.3.
Variant type: single nucleotide variant.
Coding change: c.779C>A on transcript NM_001127178.3 (MANE Select); coding-DNA position 779, C replaced by A.
Protein change: p.Pro260His; replaces proline 260 with histidine.
Molecular consequence: missense variant. On other transcripts: 5 prime UTR variant (3), non-coding transcript variant (10), intron variant (1).
Genome position (GRCh38, 1-based): chr4:508,848, C>A. VCF-style: chr4-508848-C-A. GRCh37 (hg19) VCF-style: chr4-502637-C-A.
Other names: c.512C>A, p.Pro171His (NM_001289051.2, NM_001289053.2, NM_001289057.2 and 2 more transcripts); c.380C>A, p.Pro127His (NM_001289052.2); c.413C>A, p.Pro138His (NM_001289055.2); c.779C>A, p.Pro260His (NM_001345989.2, NM_017733.5); c.-847C>A (NM_001345990.2); c.-709C>A (NM_001345991.2); c.-434C>A (NM_001345994.2); c.-129+1255C>A (NM_001345988.2); short protein forms P127H, P171H, P138H, P260H.
Identifiers: ClinVar variation 2012526 (VCV002012526.4), dbSNP rs2474641870, ClinGen allele CA355899775.

ClinVar aggregate classification (germline): Uncertain significance (1 of 4 stars; one submission).

Conditions:
Intellectual disability, autosomal recessive 53 (NEDHSCA). Also called: NEURODEVELOPMENTAL DISORDER WITH OR WITHOUT HYPOTONIA, SEIZURES, AND CEREBELLAR ATROPHY; GLYCOSYLPHOSPHATIDYLINOSITOL BIOSYNTHESIS DEFECT 13; Mental retardation, autosomal recessive 53. Identifiers: Orphanet 488635, MedGen C4310794, MONDO:0014832, OMIM 616917.

Allele frequency attached by ClinVar (database versions not stated): gnomAD exomes below 0.00001.

Submission:

Labcorp Genetics (formerly Invitae), Labcorp
Classification: Uncertain significance for Intellectual disability, autosomal recessive 53. Last evaluated: 2022-06-30. Review status: criteria provided, single submitter. Criteria: Invitae Variant Classification Sherloc (09022015). Collection method: clinical testing. Allele origin: germline.
Comment: This variant is not present in population databases (gnomAD no frequency). This variant has not been reported in the literature in individuals affected with PIGG-related conditions. This sequence change replaces proline, which is neutral and non-polar, with histidine, which is basic and polar, at codon 260 of the PIGG protein (p.Pro260His). In summary, the available evidence is currently insufficient to determine the role of this variant in disease. Therefore, it has been classified as a Variant of Uncertain Significance. Algorithms developed to predict the effect of missense changes on protein structure and function are either unavailable or do not agree on the potential impact of this missense change (SIFT: "Tolerated"; PolyPhen-2: "Probably Damaging"; Align-GVGD: "Class C0").